The following is an entry in ClinVar:

ClinVar aggregate classification (germline): Conflicting classifications of pathogenicity. Review status: criteria provided, conflicting classifications (1 of 4 stars). 7 submissions from 7 submitters: Uncertain significance (2); Likely benign (5). Last evaluated 2026-02-02.

Conditions:
PLOD1-related disorder. Also called: PLOD1-related condition.
Familial thoracic aortic aneurysm and aortic dissection (TAAD). Also called: Thoracic aortic aneurysms and dissections. Identifiers: Orphanet 91387, MedGen C4707243, MONDO:0019625.
Ehlers-Danlos syndrome, kyphoscoliotic type 1 (EDSKSCL1). Also called: EHLERS-DANLOS SYNDROME, TYPE VIA; EHLERS-DANLOS SYNDROME, OCULAR-SCOLIOTIC TYPE; Ehlers-Danlos syndrome, hydroxylysine-deficient; PLOD1-Related Kyphoscoliotic Ehlers-Danlos Syndrome. Identifiers: Orphanet 1900, MedGen C0268342, MONDO:0016002, OMIM 225400. Disease mechanism: loss of function.

Allele frequency attached by ClinVar (database versions not stated): gnomAD exomes 0.00010 and 0.00030; ExAC 0.00042; gnomAD 0.00077 and 0.00079; ESP Exome Variant Server 0.00085; TOPMed 0.00108; 1000 Genomes Project 0.00220; 1000 Genomes Project 30x 0.00265.
gnomAD v4.1: 276 of 1,598,152 alleles (0.017%); highest among the groups gnomAD compares: African/African-American, 0.28%; no homozygotes.

Submissions (7):

Labcorp Genetics (formerly Invitae), Labcorp
Classification: Likely benign for Ehlers-Danlos syndrome, kyphoscoliotic type 1. Last evaluated: 2026-02-02. Review status: criteria provided, single submitter. Criteria: Invitae Variant Classification Sherloc (09022015). Collection method: clinical testing. Allele origin: germline.

Women's Health and Genetics/Laboratory Corporation of America, LabCorp
Classification: Likely benign. Last evaluated: 2025-10-28. Review status: criteria provided, single submitter. Criteria: LabCorp Variant Classification Summary - May 2015. Collection method: clinical testing. Allele origin: germline.
Comment: Variant summary: PLOD1 c.1582G>A (p.Glu528Lys) results in a conservative amino acid change in the encoded protein sequence. Algorithms developed to predict the effect of missense changes on protein structure and function are either unavailable or do not agree on the potential impact of this missense change. The variant allele was found at a frequency of 0.0003 in 250438 control chromosomes, predominantly at a frequency of 0.0033 within the African or African-American subpopulation in the gnomAD database. The observed variant frequency within African or African-American control individuals in the gnomAD database exceeds the estimated maximal expected allele frequency for disease-causing variants in PLOD1. To our knowledge, no occurrence of c.1582G>A in individuals affected with PLOD1-related conditions and no experimental evidence demonstrating its impact on protein function have been reported. ClinVar contains an entry for this variant (Variation ID: 459811). Based on the evidence outlined above, the variant was classified as likely benign.

ARUP Laboratories, Molecular Genetics and Genomics, ARUP Laboratories
Classification: Uncertain significance for Ehlers-Danlos syndrome, kyphoscoliotic type 1. Last evaluated: 2025-06-02. Review status: criteria provided, single submitter. Criteria: ARUP Molecular Germline Variant Investigation Process 2024. Collection method: clinical testing. Allele origin: germline.
Comment: The PLOD1 c.1582G>A; p.Glu528Lys variant (rs112250644), to our knowledge, is not reported in the medical literature but is reported in ClinVar (Variation ID: 459811). This variant is found in the African/African-American population with an allele frequency of 0.27% (68/24928 alleles) in the Genome Aggregation Database (v2.1.1). Computational analyses are uncertain whether this variant is neutral or deleterious (REVEL: 0.537). Due to limited information, the clinical significance of the p.Glu528Lys variant is uncertain at this time.

PreventionGenetics, part of Exact Sciences
Classification: Likely benign for PLOD1-related condition. Last evaluated: 2025-03-27. Review status: criteria provided, single submitter. Criteria: ACMG Guidelines, 2015. Collection method: clinical testing. Allele origin: germline.
Comment: This variant is classified as likely benign based on ACMG/AMP sequence variant interpretation guidelines (Richards et al. 2015 PMID: 25741868, with internal and published modifications).

Mayo Clinic Laboratories, Mayo Clinic
Classification: Uncertain significance. Last evaluated: 2024-11-15. Review status: criteria provided, single submitter. Criteria: ACMG Guidelines, 2015. Collection method: clinical testing. Allele origin: germline. Observed: 2 variant alleles.
Comment: BS1

GeneDx
Classification: Likely benign. Last evaluated: 2020-05-12. Review status: criteria provided, single submitter. Criteria: GeneDx Variant Classification Process June 2021. Collection method: clinical testing. Allele origin: germline. Affected: yes.

Ambry Genetics
Classification: Likely benign for Familial thoracic aortic aneurysm and aortic dissection. Last evaluated: 2017-07-10. Review status: criteria provided, single submitter. Criteria: Ambry Variant Classification Scheme 2023. Collection method: clinical testing. Allele origin: germline.

NM_000302.4(PLOD1):c.1582G>A (p.Glu528Lys)

Gene: PLOD1 (procollagen-lysine,2-oxoglutarate 5-dioxygenase 1; plus strand). Cytogenetic location: 1p36.22.
Variant type: single nucleotide variant.
Coding change: c.1582G>A on transcript NM_000302.4 (MANE Select); coding-DNA position 1582, G replaced by A.
Protein change: p.Glu528Lys; replaces glutamic acid 528 with lysine.
Molecular consequence: missense variant.
Genome position (GRCh38, 1-based): chr1:11,965,591, G>A. VCF-style: chr1-11965591-G-A. GRCh37 (hg19) VCF-style: chr1-12025648-G-A.
Other names: p.Glu528Lys; c.1723G>A, p.Glu575Lys (NM_001316320.2); short protein forms E528K, E575K.
Identifiers: ClinVar variation 459811 (VCV000459811.31), dbSNP rs112250644, ClinGen allele CA598450.